The following is an entry in ClinVar:

NM_000051.4(ATM):c.8555A>G (p.Tyr2852Cys)

Genes: C11orf65 (chromosome 11 open reading frame 65; minus strand), ATM (ATM serine/threonine kinase; plus strand). Cytogenetic location: 11q22.3.
Variant type: single nucleotide variant.
Coding change: c.8555A>G on transcript NM_000051.4 (MANE Select); coding-DNA position 8555, A replaced by G.
Protein change: p.Tyr2852Cys; replaces tyrosine 2852 with cysteine.
Molecular consequence: missense variant. On other transcripts: intron variant (2).
Genome position (GRCh38, 1-based): chr11:108,345,879, A>G. VCF-style: chr11-108345879-A-G. GRCh37 (hg19) VCF-style: chr11-108216606-A-G.
Other names: c.8555A>G, p.Tyr2852Cys (NM_001351834.2); c.641-36808T>C (NM_001330368.2); c.695-10587T>C (NM_001351110.2); short protein forms Y2852C.
Identifiers: ClinVar variation 2729921 (VCV002729921.4), dbSNP rs1489567845, ClinGen allele CA382518516.
Genomic context (GRCh38, chr11:108,345,879, plus strand): 5'-GTTACTTCTGCATGGAAAAATTCTTGGATCCAGCTATTTGGTTTGAGAAGCGATTGGCTT[A>G]TACGCGCAGTGTAGCTACTTCTTCTATTGGTAATCTTCTTGTACATATAGTAGATTGAGC-3'
Protein context (NP_000042.3, residues 2842-2862): PAIWFEKRLA[Tyr2852Cys]TRSVATSSIV

ClinVar aggregate classification (germline): Uncertain significance. Review status: criteria provided, multiple submitters, no conflicts (2 of 4 stars). 2 submissions from 2 submitters: Uncertain significance (2). Last evaluated 2024-03-03.

Conditions:
Ataxia-telangiectasia syndrome (AT). Also called: LOUIS-BAR SYNDROME; Cerebello-oculocutaneous telangiectasia; Immunodeficiency with ataxia telangiectasia; Ataxia telangiectasia (A-T); Ataxia-telangiectasia, complementation group D; AT, COMPLEMENTATION GROUP C. Identifiers: Orphanet 100, MedGen C0004135, MONDO:0008840, OMIM 208900.
Hereditary cancer-predisposing syndrome. Also called: Tumor predisposition; Neoplastic Syndromes, Hereditary; Hereditary Cancer Syndrome; Hereditary neoplastic syndrome. Identifiers: Orphanet 140162, MedGen C0027672, MeSH D009386, MONDO:0015356.

Submissions (2):

Ambry Genetics
Classification: Uncertain significance for Hereditary cancer-predisposing syndrome. Last evaluated: 2024-03-03. Review status: criteria provided, single submitter. Criteria: Ambry Variant Classification Scheme 2023. Collection method: clinical testing. Allele origin: germline.
Comment: The p.Y2852C variant (also known as c.8555A>G), located in coding exon 57 of the ATM gene, results from an A to G substitution at nucleotide position 8555. The tyrosine at codon 2852 is replaced by cysteine, an amino acid with highly dissimilar properties. This amino acid position is conserved. In addition, this alteration is predicted to be deleterious by in silico analysis. Based on the available evidence, the clinical significance of this alteration remains unclear.

Labcorp Genetics (formerly Invitae), Labcorp
Classification: Uncertain significance for Ataxia-telangiectasia syndrome. Last evaluated: 2023-06-27. Review status: criteria provided, single submitter. Criteria: Invitae Variant Classification Sherloc (09022015). Collection method: clinical testing. Allele origin: germline.
Comment: This variant is not present in population databases (gnomAD no frequency). In summary, the available evidence is currently insufficient to determine the role of this variant in disease. Therefore, it has been classified as a Variant of Uncertain Significance. Algorithms developed to predict the effect of sequence changes on RNA splicing suggest that this variant may create or strengthen a splice site. An algorithm developed to predict the effect of missense changes on protein structure and function (PolyPhen-2) suggests that this variant is likely to be disruptive. This variant has not been reported in the literature in individuals affected with ATM-related conditions. This sequence change replaces tyrosine, which is neutral and polar, with cysteine, which is neutral and slightly polar, at codon 2852 of the ATM protein (p.Tyr2852Cys).